The following is an entry in ClinVar:

ClinVar aggregate classification (germline): Uncertain significance (1 of 4 stars; one submission).

Conditions:
Aortic aneurysm, familial thoracic 8 (AAT8). Identifiers: MedGen C3809513, MONDO:0014187, OMIM 615436.

Submission:

Labcorp Genetics (formerly Invitae), Labcorp
Classification: Uncertain significance for Aortic aneurysm, familial thoracic 8. Last evaluated: 2023-04-24. Review status: criteria provided, single submitter. Criteria: Invitae Variant Classification Sherloc (09022015). Collection method: clinical testing. Allele origin: germline.
Comment: In summary, the available evidence is currently insufficient to determine the role of this variant in disease. Therefore, it has been classified as a Variant of Uncertain Significance. ClinVar contains an entry for this variant (Variation ID: 2050981). This variant has not been reported in the literature in individuals affected with PRKG1-related conditions. This variant is not present in population databases (gnomAD no frequency). This sequence change creates a premature translational stop signal (p.Gln20*) in the PRKG1 gene. It is expected to result in an absent or disrupted protein product. However, the current clinical and genetic evidence is not sufficient to establish whether loss-of-function variants in PRKG1 cause disease.

NM_006258.4(PRKG1):c.58C>T (p.Gln20Ter)

Gene: PRKG1 (protein kinase cGMP-dependent 1; plus strand). Cytogenetic location: 10q11.23.
Variant type: single nucleotide variant.
Coding change: c.58C>T on transcript NM_006258.4 (MANE Select); coding-DNA position 58, C replaced by T.
Protein change: p.Gln20Ter; replaces glutamine 20 with a stop codon.
Molecular consequence: nonsense. On other transcripts: intron variant (1).
Genome position (GRCh38, 1-based): chr10:51,074,648, C>T. VCF-style: chr10-51074648-C-T. GRCh37 (hg19) VCF-style: chr10-52834408-C-T.
Other names: c.58C>T, p.Gln20Ter (NM_001374782.1); c.267-78516C>T (NM_001098512.3); short protein forms Q20*.
Identifiers: ClinVar variation 2050981 (VCV002050981.4), dbSNP rs2493151894, ClinGen allele CA376826695.
Genomic context (GRCh38, chr10:51,074,648, plus strand): 5'-AGCATGGGCACCTTGCGGGATTTACAGTACGCGCTCCAGGAGAAGATCGAGGAGCTGAGG[C>T]AGCGGGATGCTCTCATCGACGAGCTGGAGCTGGAGTTGGATCAGAAGGACGAACTGATCC-3'